The following is an entry in ClinVar:

NM_144999.4(LRRC45):c.1899G>A (p.Glu633=)

Gene: LRRC45 (leucine rich repeat containing 45; plus strand). Cytogenetic location: 17q25.3.
Variant type: single nucleotide variant.
Coding change: c.1899G>A on transcript NM_144999.4 (MANE Select); coding-DNA position 1899, G replaced by A.
Protein change: p.Glu633=; no amino-acid change (glutamic acid 633 retained).
Molecular consequence: synonymous variant.
Genome position (GRCh38, 1-based): chr17:82,030,691, G>A. VCF-style: chr17-82030691-G-A. GRCh37 (hg19) VCF-style: chr17-79988567-G-A.
Identifiers: ClinVar variation 3357489 (VCV003357489.1).

ClinVar aggregate classification (germline): Likely benign (0 of 4 stars; one submission).

Conditions:
LRRC45-related disorder. Also called: LRRC45-related condition.

gnomAD v4.1: 169 of 1,492,900 alleles (0.011%); highest among the groups gnomAD compares: East Asian, 0.3%; no homozygotes.

Submission:

PreventionGenetics, part of Exact Sciences
Classification: Likely benign for LRRC45-related condition. Last evaluated: 2024-08-14. Review status: no assertion criteria provided. Collection method: clinical testing. Allele origin: germline.
Comment: This variant is classified as likely benign based on ACMG/AMP sequence variant interpretation guidelines (Richards et al. 2015 PMID: 25741868, with internal and published modifications).